The following is an entry in ClinVar:

ClinVar aggregate classification (germline): Uncertain significance (1 of 4 stars; one submission).

Conditions:
Cystic fibrosis (CF). Also called: MUCOVISCIDOSIS. Identifiers: Orphanet 586, MedGen C0010674, MONDO:0009061, OMIM 219700. Disease mechanism: loss of function.

Submission:

Labcorp Genetics (formerly Invitae), Labcorp
Classification: Uncertain significance for Cystic fibrosis. Last evaluated: 2020-02-07. Review status: criteria provided, single submitter. Criteria: Invitae Variant Classification Sherloc (09022015). Collection method: clinical testing. Allele origin: germline.
Comment: This variant results in a copy number gain of the genomic region encompassing the full coding sequence of the CFTR gene. The boundaries of this event are unknown as they extend beyond the assayed region for this gene and therefore may encompass additional genes. As the precise location of this event is unknown, it may be in tandem or it may be located elsewhere in the genome. This variant has not been reported in the literature in individuals with CFTR-related conditions. Experimental studies and prediction algorithms are not available or were not evaluated, and the functional significance of this variant is currently unknown. In summary, the available evidence is currently insufficient to determine the role of this variant in disease. Therefore, it has been classified as a Variant of Uncertain Significance.

NC_000007.13:g.(?_117118376)_(117307162_?)dup

Gene: CFTR (CF transmembrane conductance regulator; plus strand). Cytogenetic location: 7q31.2.
Variant type: Duplication.
Identifiers: ClinVar variation 1060935 (VCV001060935.4).